The following is an entry in ClinVar:

ClinVar aggregate classification (germline): Uncertain significance. Review status: criteria provided, single submitter (1 of 4 stars). 2 submissions from 2 submitters: Uncertain significance (1). 1 of the submissions does not count toward it. Last evaluated 2024-11-25.

Conditions:
Alagille syndrome due to a JAG1 point mutation. Also called: Alagille Syndrome 1; JAG1-Related Alagille Syndrome; HEPATIC DUCTULAR HYPOPLASIA, SYNDROMATIC. Identifiers: Orphanet 261619, Orphanet 52, MedGen C1956125, MONDO:0016862, OMIM 118450.

Submissions (3):

3billion
Classification: Uncertain significance for Alagille syndrome due to a JAG1 point mutation. Last evaluated: 2024-11-25. Review status: criteria provided, single submitter. Criteria: ACMG Guidelines, 2015. Collection method: clinical testing. Allele origin: germline. Affected: yes.
Comment: The variant is not observed in the gnomAD v4.1.0 dataset. Predicted Consequence/Location: Missense variant In silico tool predictions suggest damaging effect of the variant on gene or gene product [REVEL: 0.99 (>=0.6, sensitivity 0.68 and specificity 0.92); 3Cnet: 0.60 (>=0.6, sensitivity 0.72 and precision 0.9)]. The same nucleotide change resulting in the same amino acid change has been previously reported to be associated with JAG1-related disorder (PMID: 22488849). Different missense changes at the same codon (p.Cys78Arg, p.Cys78Ser, p.Cys78Tyr) have been reported to be associated with JAG1-related disorder (PMID: 11180599, 11359464, 21752016, 31343788). However the evidence of pathogenicity is insufficient at this time. Therefore, this variant is classified as VUS according to the recommendation of ACMG/AMP guideline.

GeneReviews
No classification provided. Condition: Alagille syndrome due to a JAG1 point mutation. Review status: no classification provided. Collection method: literature only. Allele origin: germline. Not counted in ClinVar's aggregate classification.

Gilbert/Spinner Lab, Children's Hospital of Philadelphia
No classification provided (evidence only). Condition: Alagille syndrome. Review status: no classification provided. Collection method: research. Allele origin: not applicable. Functional consequence: functionally_abnormal. Not counted in ClinVar's aggregate classification.
ClinVar note: "not provided" was previously submitted as the classification for the variant. However, the classification appeared to be based only on an observation of functional data so it was converted to no classification on 2025-07-30.

Literature cited by the submitters: PubMed 22488849 (cited by 3billion); PubMed 11180599 (cited by 3billion); NCBI Bookshelf NBK1273 (cited by GeneReviews); PubMed 20301450 (cited by GeneReviews).

NM_000214.3(JAG1):c.232T>G (p.Cys78Gly)

Gene: JAG1 (jagged canonical Notch ligand 1; minus strand). Cytogenetic location: 20p12.2.
Variant type: single nucleotide variant.
Coding change: c.232T>G on transcript NM_000214.3 (MANE Select); coding-DNA position 232, T replaced by G.
Protein change: p.Cys78Gly; replaces cysteine 78 with glycine.
Molecular consequence: missense variant.
Genome position (GRCh38, 1-based): chr20:10,672,856, A>C on the plus strand (T>G on the coding strand, the complement: JAG1 is on the minus strand). VCF-style: chr20-10672856-A-C. GRCh37 (hg19) VCF-style: chr20-10653504-A-C.
Other names: short protein forms C78G.
Identifiers: ClinVar variation 816703 (VCV000816703.5), dbSNP rs1600196455, ClinGen allele CA408243159.
Genomic context (GRCh38, chr20:10,672,856, plus strand): 5'-ACCCTGAGCCGAAGCTGCAGGGCCCCCCGGCCGTGACGCGGGACTGATACTCCTTGAGGC[A>C]CACTTTGAAGTATGTGTCACACTCGTCGCGGGTGCACTTGCGGTCTCCCGGGTTCCGGGC-3'
Protein context (NP_000205.1, residues 68-88): RDECDTYFKV[Cys78Gly]LKEYQSRVTA